The following is an entry in ClinVar:

NM_001384140.1(PCDH15):c.3476T>C (p.Met1159Thr)

Gene: PCDH15 (protocadherin related 15; minus strand). Cytogenetic location: 10q21.1.
Variant type: single nucleotide variant.
Coding change: c.3476T>C on transcript NM_001384140.1 (MANE Select); coding-DNA position 3476, T replaced by C.
Protein change: p.Met1159Thr; replaces methionine 1159 with threonine.
Molecular consequence: missense variant.
Genome position (GRCh38, 1-based): chr10:53,903,268, A>G on the plus strand (T>C on the coding strand, the complement: PCDH15 is on the minus strand). VCF-style: chr10-53903268-A-G. GRCh37 (hg19) VCF-style: chr10-55663028-A-G.
Other names: c.3491T>C, p.Met1164Thr (NM_001142763.2, NM_001142771.2); c.3476T>C, p.Met1159Thr (NM_001142764.2, NM_001142766.2, NM_001142770.3 and 4 more transcripts); c.3263T>C, p.Met1088Thr (NM_001142765.2); c.3365T>C, p.Met1122Thr (NM_001142767.2); c.3410T>C, p.Met1137Thr (NM_001142768.2, NM_001142773.2, NM_001354404.2); c.3512T>C, p.Met1171Thr (NM_001142769.4); c.3497T>C, p.Met1166Thr (NM_001354411.2); short protein forms M1088T, M1122T, M1137T, M1159T, M1164T, M1166T, M1171T.
Identifiers: ClinVar variation 1310822 (VCV001310822.2), dbSNP rs2133665045, ClinGen allele CA376525400.
Genomic context (GRCh38, chr10:53,903,268, plus strand): 5'-ACTTTAGTTCTGTATATTAACATAATTCCGCATACCTTCACTCTGAGTACAGAAGTAAAC[A>G]TTCTTGCATCTTCAGATACACCTCCGATGTAGAATTTTTTCTGAAACACTGGGGGATGAT-3'
Protein context (NP_001371069.1, residues 1149-1169): YIGGVSEDAR[Met1159Thr]FTSVLRVKAT

ClinVar aggregate classification (germline): Uncertain significance (1 of 4 stars; one submission).

Allele frequency attached by ClinVar (database versions not stated): gnomAD exomes below 0.00001.

Submission:

GeneDx
Classification: Uncertain significance. Last evaluated: 2019-12-06. Review status: criteria provided, single submitter. Criteria: GeneDx Variant Classification Process June 2021. Collection method: clinical testing. Allele origin: germline. Affected: yes.
Comment: Not observed in large population cohorts (Lek et al., 2016); In silico analysis, which includes protein predictors and evolutionary conservation, supports that this variant does not alter protein structure/function; Has not been previously published as pathogenic or benign to our knowledge